The following is an entry in ClinVar:

ClinVar aggregate classification (germline): Uncertain significance (1 of 4 stars; one submission).

Submission:

Labcorp Genetics (formerly Invitae), Labcorp
Classification: Uncertain significance. Last evaluated: 2023-01-15. Review status: criteria provided, single submitter. Criteria: Invitae Variant Classification Sherloc (09022015). Collection method: clinical testing. Allele origin: germline.
Comment: In summary, the available evidence is currently insufficient to determine the role of this variant in disease. Therefore, it has been classified as a Variant of Uncertain Significance. Advanced modeling of protein sequence and biophysical properties (such as structural, functional, and spatial information, amino acid conservation, physicochemical variation, residue mobility, and thermodynamic stability) performed at Invitae indicates that this missense variant is expected to disrupt ITGB3 protein function. This variant has not been reported in the literature in individuals affected with ITGB3-related conditions. This variant is not present in population databases (gnomAD no frequency). This sequence change replaces valine, which is neutral and non-polar, with methionine, which is neutral and non-polar, at codon 133 of the ITGB3 protein (p.Val133Met).

NM_000212.3(ITGB3):c.397G>A (p.Val133Met)

Gene: ITGB3 (integrin subunit beta 3; plus strand). Cytogenetic location: 17q21.32.
Variant type: single nucleotide variant.
Coding change: c.397G>A on transcript NM_000212.3 (MANE Select); coding-DNA position 397, G replaced by A.
Protein change: p.Val133Met; replaces valine 133 with methionine.
Molecular consequence: missense variant.
Genome position (GRCh38, 1-based): chr17:47,284,478, G>A. VCF-style: chr17-47284478-G-A. GRCh37 (hg19) VCF-style: chr17-45361844-G-A.
Other names: short protein forms V133M.
Identifiers: ClinVar variation 2908716 (VCV002908716.3), dbSNP rs2547616296, ClinGen allele CA400021763.
Genomic context (GRCh38, chr17:47,284,478, plus strand): 5'-AAACTAACATCTTTCTGCCTTCCAGATGATTCGAAGAATTTCTCCATCCAAGTGCGGCAG[G>A]TGGAGGATTACCCTGTGGACATCTACTACTTGATGGACCTGTCTTACTCCATGAAGGATG-3'
Protein context (NP_000203.2, residues 123-143): SKNFSIQVRQ[Val133Met]EDYPVDIYYL